The following is an entry in ClinVar:

ClinVar aggregate classification (germline): Uncertain significance (1 of 4 stars; one submission).

Conditions:
Diffuse cerebral and cerebellar atrophy - intractable seizures - progressive microcephaly syndrome. Also called: Microcephaly, progressive, with seizures and cerebral and cerebellar atrophy. Identifiers: Orphanet 404437, MedGen C4014239, MONDO:0014335, OMIM 615760.

Allele frequency attached by ClinVar (database versions not stated): gnomAD exomes below 0.00001; ExAC 0.00001.
gnomAD v4.1: 7 of 1,585,552 alleles (0.00044%); highest among the groups gnomAD compares: Non-Finnish European, 0.0006%; no homozygotes.

Submission:

Labcorp Genetics (formerly Invitae), Labcorp
Classification: Uncertain significance for Diffuse cerebral and cerebellar atrophy - intractable seizures - progressive microcephaly syndrome. Last evaluated: 2023-07-17. Review status: criteria provided, single submitter. Criteria: Invitae Variant Classification Sherloc (09022015). Collection method: clinical testing. Allele origin: germline.
Comment: This sequence change falls in intron 19 of the QARS gene. It does not directly change the encoded amino acid sequence of the QARS protein. This variant is present in population databases (rs756620094, gnomAD 0.001%). This variant has not been reported in the literature in individuals affected with QARS-related conditions. ClinVar contains an entry for this variant (Variation ID: 1438269). Algorithms developed to predict the effect of sequence changes on RNA splicing suggest that this variant may disrupt the consensus splice site. In summary, the available evidence is currently insufficient to determine the role of this variant in disease. Therefore, it has been classified as a Variant of Uncertain Significance.

NM_005051.3(QARS1):c.1864-7T>G

Gene: QARS1 (glutaminyl-tRNA synthetase 1; minus strand). Cytogenetic location: 3p21.31.
Variant type: single nucleotide variant.
Coding change: c.1864-7T>G on transcript NM_005051.3 (MANE Select); 7 bases into the intron before coding-DNA position 1864, T replaced by G.
Molecular consequence: intron variant.
Genome position (GRCh38, 1-based): chr3:49,098,699, A>C on the plus strand (T>G on the coding strand, the complement: QARS1 is on the minus strand). VCF-style: chr3-49098699-A-C. GRCh37 (hg19) VCF-style: chr3-49136132-A-C.
Other names: c.1831-7T>G (NM_001272073.2).
Identifiers: ClinVar variation 1438269 (VCV001438269.4), dbSNP rs756620094, ClinGen allele CA2391604.
Genomic context (GRCh38, chr3:49,098,699, plus strand): 5'-CCTCAGGCCCACAGGCTGGCCCCAAGCCAGGCGCTTAAATCCTGGCTCTGGCTCCTAGAG[A>C]TAGGAAGTGGGGTAGACACATGAGGCTGCAAGGGTCAAACAAGTGGGGAAGCTTCCCTAC-3'